The following is an entry in ClinVar:

ClinVar aggregate classification (germline): Uncertain significance (1 of 4 stars; one submission).

gnomAD v4.1: 2 of 1,604,504 alleles (0.00012%); highest among the groups gnomAD compares: Non-Finnish European, 0.00017%; no homozygotes.

Submission:

GeneDx
Classification: Uncertain significance. Last evaluated: 2025-08-05. Review status: criteria provided, single submitter. Criteria: GeneDx Variant Classification Process June 2021. Collection method: clinical testing. Allele origin: germline. Affected: yes.
Comment: Not observed at significant frequency in large population cohorts (gnomAD); In silico analysis suggests that this missense variant does not alter protein structure/function; Has not been previously published as pathogenic or benign to our knowledge

NM_016333.4(SRRM2):c.1163A>G (p.Gln388Arg)

Gene: SRRM2 (serine/arginine repetitive matrix 2; plus strand). Cytogenetic location: 16p13.3.
Variant type: single nucleotide variant.
Coding change: c.1163A>G on transcript NM_016333.4 (MANE Select); coding-DNA position 1163, A replaced by G.
Protein change: p.Gln388Arg; replaces glutamine 388 with arginine.
Molecular consequence: missense variant.
Genome position (GRCh38, 1-based): chr16:2,761,691, A>G. VCF-style: chr16-2761691-A-G. GRCh37 (hg19) VCF-style: chr16-2811692-A-G.
Other names: short protein forms Q388R.
Identifiers: ClinVar variation 4755594 (VCV004755594.1).